The following is an entry in ClinVar:

ClinVar aggregate classification (germline): Uncertain significance (1 of 4 stars; one submission).

Conditions:
Cardiac arrhythmia. Also called: Cardiac rhythm disease; Arrhythmia. Identifiers: MedGen C0003811, MONDO:0007263, HP:0011675.

Allele frequency attached by ClinVar (database versions not stated): gnomAD 0.00001; gnomAD exomes 0.00003; TOPMed 0.00001; ExAC 0.00001.
gnomAD v4.1: 37 of 1,613,954 alleles (0.0023%); highest among the groups gnomAD compares: Non-Finnish European, 0.0031%; no homozygotes.

Submission:

Labcorp Genetics (formerly Invitae), Labcorp
Classification: Uncertain significance for Cardiac arrhythmia. Last evaluated: 2025-12-24. Review status: criteria provided, single submitter. Criteria: Invitae Variant Classification Sherloc (09022015). Collection method: clinical testing. Allele origin: germline.
Comment: This sequence change replaces glutamic acid, which is acidic and polar, with glycine, which is neutral and non-polar, at codon 2 of the RANGRF protein (p.Glu2Gly). This variant is present in population databases (rs763301510, gnomAD 0.0009%). This missense change has been observed in individual(s) with arrhythmia (PMID: 30847666). ClinVar contains an entry for this variant (Variation ID: 2907131). An algorithm developed to predict the effect of missense changes on protein structure and function (PolyPhen-2) suggests that this variant is likely to be disruptive. In summary, the available evidence is currently insufficient to determine the role of this variant in disease. Therefore, it has been classified as a Variant of Uncertain Significance.

Literature cited by the submitters: PubMed 30847666.

NM_016492.5(RANGRF):c.5A>G (p.Glu2Gly)

Genes: RANGRF (RAN guanine nucleotide release factor; plus strand), SLC25A35 (solute carrier family 25 member 35; minus strand). Cytogenetic location: 17p13.1.
Variant type: single nucleotide variant.
Coding change: c.5A>G on transcript NM_016492.5 (MANE Select); coding-DNA position 5, A replaced by G.
Protein change: p.Glu2Gly; replaces glutamic acid 2 with glycine.
Molecular consequence: missense variant. On other transcripts: 3 prime UTR variant (1), non-coding transcript variant (1), intron variant (1).
Genome position (GRCh38, 1-based): chr17:8,288,793, A>G. VCF-style: chr17-8288793-A-G. GRCh37 (hg19) VCF-style: chr17-8192111-A-G.
Other names: c.5A>G, p.Glu2Gly (NM_001177801.2, NM_001177802.2, NM_001330127.2); c.*823T>C (NM_201520.3); c.*43-361T>C (NM_001320871.2); short protein forms E2G.
Identifiers: ClinVar variation 2907131 (VCV002907131.3), dbSNP rs763301510, ClinGen allele CA8374277.